The following is an entry in ClinVar:

ClinVar aggregate classification (germline): Conflicting classifications of pathogenicity. Review status: criteria provided, conflicting classifications (1 of 4 stars). 6 submissions from 6 submitters: Uncertain significance (4); Benign (1); Likely benign (1). Last evaluated 2026-04-21.

Conditions:
Hereditary cancer-predisposing syndrome. Also called: Neoplastic Syndromes, Hereditary; Hereditary Cancer Syndrome; Tumor predisposition; Hereditary neoplastic syndrome. Identifiers: Orphanet 140162, MedGen C0027672, MeSH D009386, MONDO:0015356.
Multiple endocrine neoplasia, type 2 (MEN2). Identifiers: Orphanet 653, MedGen C4048306, MONDO:0019003. Disease mechanism: gain of function.

Allele frequency attached by ClinVar (database versions not stated): gnomAD exomes 0.00002; gnomAD 0.00001; ESP Exome Variant Server 0.00008; TOPMed 0.00002; ExAC 0.00004.
gnomAD v4.1: 60 of 1,601,756 alleles (0.0037%); highest among the groups gnomAD compares: Non-Finnish European, 0.0049%; no homozygotes.

Submissions (6):

Ambry Genetics
Classification: Benign for Hereditary cancer-predisposing syndrome. Last evaluated: 2026-04-21. Review status: criteria provided, single submitter. Criteria: Ambry Variant Classification Scheme 2023. Collection method: clinical testing. Allele origin: germline.

Dasa
Classification: Uncertain significance. Last evaluated: 2026-02-03. Review status: criteria provided, single submitter. Criteria: DASA Assertion Criteria. Collection method: clinical testing. Allele origin: germline.
Comment: NM_020975.6(RET):c.1538C>G (p.Ala513Gly) is a missense variant that results in the substitution of alanine with glycine. This variant is rare in population databases. The currently available literature and clinical evidence are not sufficient to establish a definitive association between this variant and the reported condition. Therefore, this variant is classified as a variant of uncertain significance.

Labcorp Genetics (formerly Invitae), Labcorp
Classification: Uncertain significance for Multiple endocrine neoplasia, type 2. Last evaluated: 2026-01-26. Review status: criteria provided, single submitter. Criteria: Invitae Variant Classification Sherloc (09022015). Collection method: clinical testing. Allele origin: germline.
Comment: This sequence change replaces alanine, which is neutral and non-polar, with glycine, which is neutral and non-polar, at codon 513 of the RET protein (p.Ala513Gly). This variant is present in population databases (rs149238501, gnomAD 0.008%). This variant has not been reported in the literature in individuals affected with RET-related conditions. ClinVar contains an entry for this variant (Variation ID: 543750). An algorithm developed to predict the effect of missense changes on protein structure and function (PolyPhen-2) suggests that this variant is likely to be tolerated. In summary, the available evidence is currently insufficient to determine the role of this variant in disease. Therefore, it has been classified as a Variant of Uncertain Significance.

Color Diagnostics, LLC DBA Color Health
Classification: Likely benign for Multiple endocrine neoplasia, type 2. Last evaluated: 2025-09-17. Review status: criteria provided, single submitter. Criteria: ACMG Guidelines, 2015. Collection method: clinical testing. Allele origin: germline.

GeneDx
Classification: Uncertain significance. Last evaluated: 2024-07-04. Review status: criteria provided, single submitter. Criteria: GeneDx Variant Classification Process June 2021. Collection method: clinical testing. Allele origin: germline.
Comment: Not observed at significant frequency in large population cohorts (gnomAD); In silico analysis indicates that this missense variant does not alter protein structure/function; Has not been previously published as pathogenic or benign to our knowledge

Quest Diagnostics Nichols Institute San Juan Capistrano
Classification: Uncertain significance. Last evaluated: 2023-10-26. Review status: criteria provided, single submitter. Criteria: Quest Diagnostics criteria. Collection method: clinical testing. Allele origin: unknown.

Literature cited by the submitters: PubMed 22747440 (cited by Quest Diagnostics Nichols Institute San Juan Capistrano); PubMed 25316501 (cited by Quest Diagnostics Nichols Institute San Juan Capistrano); PubMed 32823925 (cited by Quest Diagnostics Nichols Institute San Juan Capistrano).

NM_020975.6(RET):c.1538C>G (p.Ala513Gly)

Gene: RET (ret proto-oncogene; plus strand). Cytogenetic location: 10q11.21.
Variant type: single nucleotide variant.
Coding change: c.1538C>G on transcript NM_020975.6 (MANE Select); coding-DNA position 1538, C replaced by G.
Protein change: p.Ala513Gly; replaces alanine 513 with glycine.
Molecular consequence: missense variant.
Genome position (GRCh38, 1-based): chr10:43,112,114, C>G. VCF-style: chr10-43112114-C-G. GRCh37 (hg19) VCF-style: chr10-43607562-C-G.
Other names: c.1538C>G, p.Ala513Gly (NM_000323.2, NM_001406743.1, NM_001406744.1 and 6 more transcripts); c.776C>G, p.Ala259Gly (NM_001355216.2); c.1409C>G, p.Ala470Gly (NM_001406761.1, NM_001406762.1, NM_001406764.1 and 1 more transcripts); c.1013C>G, p.Ala338Gly (NM_001406774.1); c.812C>G, p.Ala271Gly (NM_001406775.1, NM_001406776.1, NM_001406777.1 and 1 more transcripts); c.641C>G, p.Ala214Gly (NM_001406779.1, NM_001406780.1, NM_001406781.1 and 3 more transcripts); c.512C>G, p.Ala171Gly (NM_001406783.1, NM_001406786.1); c.548C>G, p.Ala183Gly (NM_001406784.1); and 5 more; short protein forms A513G, A259G, A118G, A171G, A183G, A30G, A417G, A470G.
Identifiers: ClinVar variation 543750 (VCV000543750.20), dbSNP rs149238501, ClinGen allele CA034343.